The following is an entry in ClinVar:

NM_001165963.4(SCN1A):c.4579G>A (p.Gly1527Arg)

Genes: SCN1A (sodium voltage-gated channel alpha subunit 1; minus strand), LOC102724058 (uncharacterized LOC102724058; plus strand). Cytogenetic location: 2q24.3.
Variant type: single nucleotide variant.
Coding change: c.4579G>A on transcript NM_001165963.4 (MANE Select); coding-DNA position 4579, G replaced by A.
Protein change: p.Gly1527Arg; replaces glycine 1527 with arginine.
Molecular consequence: missense variant. On other transcripts: non-coding transcript variant (1).
Genome position (GRCh38, 1-based): chr2:165,996,015, C>T on the plus strand (G>A on the coding strand, the complement: SCN1A is on the minus strand). VCF-style: chr2-165996015-C-T. GRCh37 (hg19) VCF-style: chr2-166852525-C-T.
Other names: c.4495G>A, p.Gly1499Arg (NM_001165964.3, NM_001353957.2, NM_001353958.2); c.4579G>A, p.Gly1527Arg (NM_001202435.3, NM_001353948.2); c.4546G>A, p.Gly1516Arg (NM_001353949.2, NM_001353950.2, NM_001353951.2 and 2 more transcripts); c.4543G>A, p.Gly1515Arg (NM_001353954.2, NM_001353955.2); c.4492G>A, p.Gly1498Arg (NM_001353960.2); c.2137G>A, p.Gly713Arg (NM_001353961.2); short protein forms G1515R, G1516R, G1527R, G1498R, G1499R, G713R.
Identifiers: ClinVar variation 4714146 (VCV004714146.1).

ClinVar aggregate classification (germline): Uncertain significance (1 of 4 stars; one submission).

Conditions:
Early-infantile DEE. Also called: Early infantile epileptic encephalopathy; Ohtahara syndrome; Early infantile epileptic encephalopathy with suppression bursts. Identifiers: Orphanet 1934, MedGen C0393706, MONDO:0800491.

gnomAD v4.1: 2 of 1,590,944 alleles (0.00013%); highest among the groups gnomAD compares: Non-Finnish European, 0.00017%; no homozygotes.

Submission:

Labcorp Genetics (formerly Invitae), Labcorp
Classification: Uncertain significance for Early-infantile DEE. Last evaluated: 2025-03-01. Review status: criteria provided, single submitter. Criteria: Invitae Variant Classification Sherloc (09022015). Collection method: clinical testing. Allele origin: germline.
Comment: This sequence change replaces glycine, which is neutral and non-polar, with arginine, which is basic and polar, at codon 1527 of the SCN1A protein (p.Gly1527Arg). This variant is not present in population databases (gnomAD no frequency). This variant has not been reported in the literature in individuals affected with SCN1A-related conditions. An algorithm developed to predict the effect of missense changes on protein structure and function (PolyPhen-2) suggests that this variant is likely to be tolerated. In summary, the available evidence is currently insufficient to determine the role of this variant in disease. Therefore, it has been classified as a Variant of Uncertain Significance.